The following is an entry in ClinVar:

NM_000089.4(COL1A2):c.693+2T>C

Gene: COL1A2 (collagen type I alpha 2 chain; plus strand). Cytogenetic location: 7q21.3.
Variant type: single nucleotide variant.
Coding change: c.693+2T>C on transcript NM_000089.4 (MANE Select); the canonical splice donor site of the intron after coding-DNA position 693, T replaced by C.
Molecular consequence: splice donor variant.
Genome position (GRCh38, 1-based): chr7:94,408,238, T>C. VCF-style: chr7-94408238-T-C. GRCh37 (hg19) VCF-style: chr7-94037550-T-C.
Identifiers: ClinVar variation 1457016 (VCV001457016.6), dbSNP rs66516450, ClinGen allele CA162918067.
Genomic context (GRCh38, chr7:94,408,238, plus strand): 5'-TCTAGGGAGCCCGTGGGCTTCCTGGTGAGAGAGGACGTGTTGGTGCCCCTGGCCCAGCTG[T>C]AAGTGCTTCCATTTTTGTTCAGTTTCATCCTTTTAAAAAATCTTCTAATGGCTGTCATTT-3'

ClinVar aggregate classification (germline): Pathogenic (1 of 4 stars; one submission).

Conditions:
Ehlers-Danlos syndrome, classic type, 1 (EDSCL1). Also called: EHLERS-DANLOS SYNDROME, GRAVIS TYPE; EHLERS-DANLOS SYNDROME, SEVERE CLASSIC TYPE; Ehlers-Danlos syndrome, type 1; Ehlers-Danlos Syndrome, Classic Type, COL5A1-Related; EDS I. Identifiers: MedGen C0268335, MONDO:0019567, OMIM 130000.
Osteogenesis imperfecta type I (OI1). Also called: OI, TYPE I; OSTEOGENESIS IMPERFECTA TARDA; OSTEOGENESIS IMPERFECTA WITH BLUE SCLERAE; Osteogenesis imperfecta type 1; Lobstein's Disease; Lobstein disease. Identifiers: Orphanet 216796, Orphanet 666, MedGen C0023931, MONDO:0008146, OMIM 166200. Disease mechanism: loss of function.

Submission:

Labcorp Genetics (formerly Invitae), Labcorp
Classification: Pathogenic for Osteogenesis imperfecta type I; Ehlers-Danlos syndrome, classic type, 1. Last evaluated: 2023-05-23. Review status: criteria provided, single submitter. Criteria: Invitae Variant Classification Sherloc (09022015). Collection method: clinical testing. Allele origin: germline.
Comment: This sequence change affects a donor splice site in intron 14 of the COL1A2 gene. RNA analysis indicates that disruption of this splice site induces altered splicing and likely results in a shortened protein product. This variant is not present in population databases (gnomAD no frequency). Disruption of this splice site has been observed in individual(s) with autosomal dominant osteogenesis imperfecta (PMID: 17078022). This variant is also known as IVS14+2T>C . ClinVar contains an entry for this variant (Variation ID: 1457016). Studies have shown that disruption of this splice site results in skipping of exon 14, but is expected to preserve the integrity of the reading-frame (PMID: 17078022). This variant disrupts the triple helix domain of COL1A2. Glycine residues within the Gly-Xaa-Yaa repeats of the triple helix domain are required for the structure and stability of fibrillar collagens (PMID: 7695699, 8218237, 19344236). In COL1A2, variants affecting these glycine residues are significantly enriched in individuals with disease (PMID: 9016532, 17078022) compared to the general population (ExAC). For these reasons, this variant has been classified as Pathogenic.

Literature cited by the submitters: PubMed 17078022; PubMed 7695699; PubMed 8218237; PubMed 19344236; PubMed 9016532.